The following is an entry in ClinVar:

NM_016180.5(SLC45A2):c.1255C>A (p.Pro419Thr)

Gene: SLC45A2 (solute carrier family 45 member 2; minus strand). Cytogenetic location: 5p13.2.
Variant type: single nucleotide variant.
Coding change: c.1255C>A on transcript NM_016180.5 (MANE Select); coding-DNA position 1255, C replaced by A.
Protein change: p.Pro419Thr; replaces proline 419 with threonine.
Molecular consequence: missense variant.
Genome position (GRCh38, 1-based): chr5:33,947,276, G>T on the plus strand (C>A on the coding strand, the complement: SLC45A2 is on the minus strand). VCF-style: chr5-33947276-G-T. GRCh37 (hg19) VCF-style: chr5-33947381-G-T.
Other names: c.1255C>A, p.Pro419Thr (NM_001012509.4); short protein forms P419T.
Identifiers: ClinVar variation 1897115 (VCV001897115.3), dbSNP rs543964467, ClinGen allele CA3225517.

ClinVar aggregate classification (germline): Uncertain significance. Review status: criteria provided, multiple submitters, no conflicts (2 of 4 stars). 2 submissions from 2 submitters: Uncertain significance (2). Last evaluated 2024-12-04.

Allele frequency attached by ClinVar (database versions not stated): TOPMed 0.00001; gnomAD 0.00001; ExAC 0.00002; gnomAD exomes 0.00001; 1000 Genomes Project 30x 0.00016; 1000 Genomes Project 0.00020.
gnomAD v4.1: 11 of 1,614,174 alleles (0.00068%); highest among the groups gnomAD compares: East Asian, 0.025%; no homozygotes.

Submissions (2):

Women's Health and Genetics/Laboratory Corporation of America, LabCorp
Classification: Uncertain significance. Last evaluated: 2024-12-04. Review status: criteria provided, single submitter. Criteria: LabCorp Variant Classification Summary - May 2015. Collection method: clinical testing. Allele origin: germline.
Comment: Variant summary: SLC45A2 c.1255C>A (p.Pro419Thr) results in a non-conservative amino acid change in the encoded protein sequence. Four of five in-silico tools predict a damaging effect of the variant on protein function. The variant allele was found at a frequency of 4e-05 in 251486 control chromosomes. This frequency is not significantly higher than estimated for a pathogenic variant in SLC45A2 causing Oculocutaneous albinism type 4, allowing no conclusion about variant significance. c.1255C>A has been reported in the literature in an individual affected with Oculocutaneous albinism type 4 (Moreno-Artero_2022). A different variant affecting the same codon has been classified as pathogenic by our lab (c.1256C>T, p.Pro419Leu), supporting the critical relevance of codon 419 to SLC45A2 protein function. To our knowledge, no experimental evidence demonstrating an impact on protein function has been reported. The following publication has been ascertained in the context of this evaluation (PMID: 36553465). ClinVar contains an entry for this variant (Variation ID: 1897115). Based on the evidence outlined above, the variant was classified as VUS-possibly pathogenic.

Labcorp Genetics (formerly Invitae), Labcorp
Classification: Uncertain significance. Last evaluated: 2022-05-09. Review status: criteria provided, single submitter. Criteria: Invitae Variant Classification Sherloc (09022015). Collection method: clinical testing. Allele origin: germline.
Comment: This sequence change replaces proline, which is neutral and non-polar, with threonine, which is neutral and polar, at codon 419 of the SLC45A2 protein (p.Pro419Thr). This variant is present in population databases (rs543964467, gnomAD 0.05%). This variant has not been reported in the literature in individuals affected with SLC45A2-related conditions. Algorithms developed to predict the effect of missense changes on protein structure and function (SIFT, PolyPhen-2, Align-GVGD) all suggest that this variant is likely to be disruptive. This variant disrupts the p.Pro419 amino acid residue in SLC45A2. Other variant(s) that disrupt this residue have been determined to be pathogenic (PMID: 19865097, 21287499, 28976636). This suggests that this residue is clinically significant, and that variants that disrupt this residue are likely to be disease-causing. In summary, the available evidence is currently insufficient to determine the role of this variant in disease. Therefore, it has been classified as a Variant of Uncertain Significance.

Literature cited by the submitters: PubMed 36553465 (cited by Women's Health and Genetics/Laboratory Corporation of America, LabCorp); PubMed 19865097 (cited by Labcorp Genetics (formerly Invitae), Labcorp); PubMed 21287499 (cited by Labcorp Genetics (formerly Invitae), Labcorp); PubMed 28976636 (cited by Labcorp Genetics (formerly Invitae), Labcorp).